The following is an entry in ClinVar:

ClinVar aggregate classification (germline): Pathogenic (1 of 4 stars; one submission).

Allele frequency attached by ClinVar (database versions not stated): gnomAD 0.00001.

Submission:

Labcorp Genetics (formerly Invitae), Labcorp
Classification: Pathogenic. Last evaluated: 2023-08-07. Review status: criteria provided, single submitter. Criteria: Invitae Variant Classification Sherloc (09022015). Collection method: clinical testing. Allele origin: germline.
Comment: This variant is present in population databases (no rsID available, gnomAD 0.0009%). This sequence change creates a premature translational stop signal (p.Tyr1525*) in the TTC37 gene. It is expected to result in an absent or disrupted protein product. Loss-of-function variants in TTC37 are known to be pathogenic (PMID: 20176027, 21120949). This premature translational stop signal has been observed in individual(s) with TTC37-related conditions (PMID: 28027214). For these reasons, this variant has been classified as Pathogenic.

Literature cited by the submitters: PubMed 20176027; PubMed 21120949; PubMed 28027214.

NM_014639.4(SKIC3):c.4575_4580del (p.Tyr1525_Leu1527delinsTer)

Gene: SKIC3 (SKI3 subunit of superkiller complex; minus strand). Cytogenetic location: 5q15.
Variant type: Deletion.
Coding change: c.4575_4580del on transcript NM_014639.4 (MANE Select); coding-DNA positions 4575 to 4580, 6 bases deleted (CCTACT; older notation c.4575_4580delCCTACT).
Protein change: p.Tyr1525_Leu1527delinsTer.
Molecular consequence: nonsense.
Genome position (GRCh38, 1-based): chr5:95,467,906-95,467,911, AGTAGG deleted on the plus strand (CCTACT on the coding strand, the reverse complement: SKIC3 is on the minus strand). VCF-style (leftmost placement, unchanged base first): chr5-95467905-CAGTAGG-C. GRCh37 (hg19) VCF-style: chr5-94803609-CAGTAGG-C.
Identifiers: ClinVar variation 3001265 (VCV003001265.3), dbSNP rs1161525517, ClinGen allele CA561276030.